The following is an entry in ClinVar:

NM_001903.5(CTNNA1):c.842C>T (p.Ala281Val)

Gene: CTNNA1 (catenin alpha 1; plus strand). Cytogenetic location: 5q31.2.
Variant type: single nucleotide variant.
Coding change: c.842C>T on transcript NM_001903.5 (MANE Select); coding-DNA position 842, C replaced by T.
Protein change: p.Ala281Val; replaces alanine 281 with valine.
Molecular consequence: missense variant.
Genome position (GRCh38, 1-based): chr5:138,824,783, C>T. VCF-style: chr5-138824783-C-T. GRCh37 (hg19) VCF-style: chr5-138160472-C-T.
Other names: c.842C>T, p.Ala281Val (NM_001290307.3, NM_001323982.2, NM_001323983.1 and 3 more transcripts); c.533C>T, p.Ala178Val (NM_001290309.3); c.473C>T, p.Ala158Val (NM_001290310.3); c.842C>T (NM_001903.2); short protein forms A178V, A158V, A281V.
Identifiers: ClinVar variation 645376 (VCV000645376.9), dbSNP rs1581168265, ClinGen allele CA361130275.

ClinVar aggregate classification (germline): Uncertain significance. Review status: criteria provided, multiple submitters, no conflicts (2 of 4 stars). 2 submissions from 2 submitters: Uncertain significance (2). Last evaluated 2025-09-27.

Conditions:
Hereditary cancer-predisposing syndrome. Also called: Hereditary Cancer Syndrome; Tumor predisposition; Hereditary neoplastic syndrome; Neoplastic Syndromes, Hereditary. Identifiers: Orphanet 140162, MedGen C0027672, MeSH D009386, MONDO:0015356.

Allele frequency attached by ClinVar (database versions not stated): gnomAD exomes below 0.00001.
gnomAD v4.1: 4 of 1,613,524 alleles (0.00025%); highest among the groups gnomAD compares: Non-Finnish European, 0.00034%; no homozygotes.

Submissions (2):

Labcorp Genetics (formerly Invitae), Labcorp
Classification: Uncertain significance. Last evaluated: 2025-09-27. Review status: criteria provided, single submitter. Criteria: Invitae Variant Classification Sherloc (09022015). Collection method: clinical testing. Allele origin: germline.
Comment: This sequence change replaces alanine, which is neutral and non-polar, with valine, which is neutral and non-polar, at codon 281 of the CTNNA1 protein (p.Ala281Val). This variant is not present in population databases (gnomAD no frequency). This variant has not been reported in the literature in individuals affected with CTNNA1-related conditions. ClinVar contains an entry for this variant (Variation ID: 645376). Invitae Evidence Modeling of protein sequence and biophysical properties (such as structural, functional, and spatial information, amino acid conservation, physicochemical variation, residue mobility, and thermodynamic stability) has been performed for this missense variant. However, the output from this modeling did not meet the statistical confidence thresholds required to predict the impact of this variant on CTNNA1 protein function. In summary, the available evidence is currently insufficient to determine the role of this variant in disease. Therefore, it has been classified as a Variant of Uncertain Significance.

Ambry Genetics
Classification: Uncertain significance for Hereditary cancer-predisposing syndrome. Last evaluated: 2024-10-03. Review status: criteria provided, single submitter. Criteria: Ambry Variant Classification Scheme 2023. Collection method: clinical testing. Allele origin: germline.
Comment: The p.A281V variant (also known as c.842C>T), located in coding exon 5 of the CTNNA1 gene, results from a C to T substitution at nucleotide position 842. The alanine at codon 281 is replaced by valine, an amino acid with similar properties. This amino acid position is highly conserved in available vertebrate species. In addition, this alteration is predicted to be deleterious by in silico analysis. The evidence for this gene-disease relationship is limited; therefore, the clinical significance of this alteration is unclear.